The following is an entry in ClinVar:

NM_004727.3(SLC24A1):c.1311G>A (p.Lys437=)

Gene: SLC24A1 (solute carrier family 24 member 1; plus strand). Cytogenetic location: 15q22.31.
Variant type: single nucleotide variant.
Coding change: c.1311G>A on transcript NM_004727.3 (MANE Select); coding-DNA position 1311, G replaced by A.
Protein change: p.Lys437=; no amino-acid change (lysine 437 retained).
Molecular consequence: synonymous variant.
Genome position (GRCh38, 1-based): chr15:65,625,391, G>A. VCF-style: chr15-65625391-G-A. GRCh37 (hg19) VCF-style: chr15-65917729-G-A.
Other names: c.1311G>A (NM_004727.2); c.1311G>A, p.Lys437= (NM_001301031.1, NM_001301032.1, NM_001301033.2).
Identifiers: ClinVar variation 1469352 (VCV001469352.7), dbSNP rs374597851, ClinGen allele CA7619880.

ClinVar aggregate classification (germline): Likely benign. Review status: criteria provided, multiple submitters, no conflicts (2 of 4 stars). 2 submissions from 2 submitters: Likely benign (2). Last evaluated 2026-01-07.

Conditions:
SLC24A1-related disorder. Also called: SLC24A1-related condition.

Allele frequency attached by ClinVar (database versions not stated): ExAC 0.00001; gnomAD exomes 0.00001 and 0.00002; gnomAD 0.00015 and 0.00016; ESP Exome Variant Server 0.00016; TOPMed 0.00021.
gnomAD v4.1: 35 of 1,613,912 alleles (0.0022%); highest among the groups gnomAD compares: African/African-American, 0.04%; no homozygotes.

Submissions (2):

PreventionGenetics, part of Exact Sciences
Classification: Likely benign for SLC24A1-related condition. Last evaluated: 2026-01-07. Review status: criteria provided, single submitter. Criteria: ACMG Guidelines, 2015. Collection method: clinical testing. Allele origin: germline.
Comment: This variant is classified as likely benign based on ACMG/AMP sequence variant interpretation guidelines (Richards et al. 2015 PMID: 25741868, with internal and published modifications).

Labcorp Genetics (formerly Invitae), Labcorp
Classification: Likely benign. Last evaluated: 2022-07-12. Review status: criteria provided, single submitter. Criteria: Invitae Variant Classification Sherloc (09022015). Collection method: clinical testing. Allele origin: germline.